The following is an entry in ClinVar:

NM_004415.4(DSP):c.1702-1G>T

Gene: DSP (desmoplakin; plus strand). Cytogenetic location: 6p24.3.
Variant type: single nucleotide variant.
Coding change: c.1702-1G>T on transcript NM_004415.4 (MANE Select); the canonical splice acceptor site of the intron before coding-DNA position 1702, G replaced by T.
Molecular consequence: splice acceptor variant.
Genome position (GRCh38, 1-based): chr6:7,571,382, G>T. VCF-style: chr6-7571382-G-T. GRCh37 (hg19) VCF-style: chr6-7571615-G-T.
Other names: c.1702-1G>T (NM_001319034.2, NM_001008844.3).
Identifiers: ClinVar variation 2938207 (VCV002938207.3), dbSNP rs2533893337, ClinGen allele CA362678878.
Genomic context (GRCh38, chr6:7,571,382, plus strand): 5'-TTCTTGATTGCATTGTGGGGCAGTCATAAATCCCAAATCACTTCTGCCTGTCTCCTTTCA[G>T]CTGAAAACAATGCGGCAGGAAGATTACATGAAGACGATAGCCGACCTTGAGTTACATTAC-3'

ClinVar aggregate classification (germline): Likely pathogenic (1 of 4 stars; one submission).

Conditions:
Arrhythmogenic right ventricular dysplasia 8 (ARVD8). Also called: Arrhythmogenic Right Ventricular Dysplasia/Cardiomyopathy 8; ARRHYTHMOGENIC RIGHT VENTRICULAR DYSPLASIA, FAMILIAL, 8; ARRHYTHMOGENIC RIGHT VENTRICULAR CARDIOMYOPATHY 8. Identifiers: MedGen C1843896, MONDO:0011831, OMIM 607450.
Arrhythmogenic cardiomyopathy with wooly hair and keratoderma. Also called: PALMOPLANTAR KERATODERMA WITH LEFT VENTRICULAR CARDIOMYOPATHY AND WOOLLY HAIR; Carvajal syndrome; Dilated cardiomyopathy with woolly hair and keratoderma; Arrhythmogenic cardiomyopathy with woolly hair and keratoderma. Identifiers: Orphanet 65282, MedGen C1854063, MONDO:0011581, OMIM 605676.

Submission:

Labcorp Genetics (formerly Invitae), Labcorp
Classification: Likely pathogenic for Arrhythmogenic cardiomyopathy with wooly hair and keratoderma; Arrhythmogenic right ventricular dysplasia 8. Last evaluated: 2023-12-30. Review status: criteria provided, single submitter. Criteria: Invitae Variant Classification Sherloc (09022015). Collection method: clinical testing. Allele origin: germline.
Comment: This sequence change affects an acceptor splice site in intron 13 of the DSP gene. It is expected to disrupt RNA splicing. Variants that disrupt the donor or acceptor splice site typically lead to a loss of protein function (PMID: 16199547), and loss-of-function variants in DSP are known to be pathogenic (PMID: 20716751, 24503780, 25227139). This variant is not present in population databases (gnomAD no frequency). This variant has not been reported in the literature in individuals affected with DSP-related conditions. Algorithms developed to predict the effect of sequence changes on RNA splicing suggest that this variant may disrupt the consensus splice site. In summary, the currently available evidence indicates that the variant is pathogenic, but additional data are needed to prove that conclusively. Therefore, this variant has been classified as Likely Pathogenic.

Literature cited by the submitters: PubMed 16199547; PubMed 20716751; PubMed 24503780; PubMed 25227139.